The following is an entry in ClinVar:

ClinVar aggregate classification (germline): Pathogenic. Review status: criteria provided, multiple submitters, no conflicts (2 of 4 stars). 5 submissions from 5 submitters: Pathogenic (4). 1 of the submissions does not count toward it. Last evaluated 2026-05-01.

Conditions:
LAMA2-related muscular dystrophy (LAMA2-RD). Also called: Laminin alpha 2-related dystrophy. Identifiers: MedGen C5679788, MONDO:0100228.
Merosin deficient congenital muscular dystrophy (MDC1A). Also called: Congenital Muscular Dystrophy Type 1A (MDC1A); Congenital merosin-deficient muscular dystrophy 1A. Identifiers: Orphanet 258, MedGen C1263858, MONDO:0011925, OMIM 607855.

Allele frequency attached by ClinVar (database versions not stated): gnomAD exomes below 0.00001 and 0.00001; ExAC 0.00001; 1000 Genomes Project 0.00020.
gnomAD v4.1: 3 of 1,614,060 alleles (0.00019%); highest among the groups gnomAD compares: Admixed American, 0.0017%; no homozygotes.

Submissions (5):

CeGaT Center for Human Genetics Tuebingen
Classification: Pathogenic. Last evaluated: 2026-05-01. Review status: criteria provided, single submitter. Criteria: CeGaT Center For Human Genetics Tuebingen Variant Classification Criteria Version 2. Collection method: clinical testing. Allele origin: germline. Affected: yes. Observed: 2 variant alleles.
Comment: LAMA2: PVS1, PM3:Strong, PM2

Labcorp Genetics (formerly Invitae), Labcorp
Classification: Pathogenic for LAMA2-related muscular dystrophy. Last evaluated: 2025-09-08. Review status: criteria provided, single submitter. Criteria: Invitae Variant Classification Sherloc (09022015). Collection method: clinical testing. Allele origin: germline.
Comment: This sequence change creates a premature translational stop signal (p.Trp166*) in the LAMA2 gene. It is expected to result in an absent or disrupted protein product. Loss-of-function variants in LAMA2 are known to be pathogenic (PMID: 18700894, 32904964). This variant is present in population databases (rs553221833, gnomAD 0.003%). This premature translational stop signal has been observed in individual(s) with congenital muscular dystrophy (PMID: 10694916). This variant is also known as c.547G>A. ClinVar contains an entry for this variant (Variation ID: 551094). For these reasons, this variant has been classified as Pathogenic.

Baylor Genetics
Classification: Pathogenic for Merosin deficient congenital muscular dystrophy. Last evaluated: 2024-01-06. Review status: criteria provided, single submitter. Criteria: ACMG Guidelines, 2015. Collection method: clinical testing. Allele origin: unknown.

GeneDx
Classification: Pathogenic. Last evaluated: 2018-08-02. Review status: criteria provided, single submitter. Criteria: GeneDx Variant Classification (06012015). Collection method: clinical testing. Allele origin: germline. Affected: yes.
Comment: The W166X nonsense variant in the LAMA2 gene has been reported previously in an individual with congenital muscular dystrophy who also had a frameshift variant identified in LAMA2 (Mendell et al., 1998). This pathogenic variant is predicted to cause loss of normal protein function either through protein truncation or nonsense-mediated mRNA decay. The W166X variant is not observed at a significant frequency in large population cohorts (Lek et al., 2016). We interpret W166X as a pathogenic variant.

Counsyl
Classification: Likely pathogenic for Merosin deficient congenital muscular dystrophy. Last evaluated: 2017-03-09. Review status: no assertion criteria provided. Collection method: clinical testing. Allele origin: unknown. Not counted in ClinVar's aggregate classification.

Literature cited by the submitters: PubMed 18700894 (cited by Labcorp Genetics (formerly Invitae), Labcorp); PubMed 32904964 (cited by Labcorp Genetics (formerly Invitae), Labcorp); PubMed 10694916 (cited by Labcorp Genetics (formerly Invitae), Labcorp and Counsyl); PubMed 25525159 (cited by Counsyl).

NM_000426.4(LAMA2):c.498G>A (p.Trp166Ter)

Gene: LAMA2 (laminin subunit alpha 2; plus strand). Cytogenetic location: 6q22.33.
Variant type: single nucleotide variant.
Coding change: c.498G>A on transcript NM_000426.4 (MANE Select); coding-DNA position 498, G replaced by A.
Protein change: p.Trp166Ter; replaces tryptophan 166 with a stop codon.
Molecular consequence: nonsense.
Genome position (GRCh38, 1-based): chr6:129,098,274, G>A. VCF-style: chr6-129098274-G-A. GRCh37 (hg19) VCF-style: chr6-129419419-G-A.
Other names: c.498G>A, p.Trp166Ter (NM_001079823.2); short protein forms W166*.
Identifiers: ClinVar variation 551094 (VCV000551094.12), dbSNP rs553221833, ClinGen allele CA3992352.